The following is an entry in ClinVar:

NM_000038.6(APC):c.3006C>T (p.Ala1002=)

Gene: APC (APC regulator of Wnt signaling pathway; plus strand). Cytogenetic location: 5q22.2.
Variant type: single nucleotide variant.
Coding change: c.3006C>T on transcript NM_000038.6 (MANE Select); coding-DNA position 3006, C replaced by T.
Protein change: p.Ala1002=; no amino-acid change (alanine 1002 retained).
Molecular consequence: synonymous variant.
Genome position (GRCh38, 1-based): chr5:112,838,600, C>T. VCF-style: chr5-112838600-C-T. GRCh37 (hg19) VCF-style: chr5-112174297-C-T.
Other names: p.A1002A:GCC>GCT; c.3006C>T, p.Ala1002= (NM_001127510.3, NM_001354895.2); c.2952C>T, p.Ala984= (NM_001127511.3); c.3060C>T, p.Ala1020= (NM_001354896.2); c.3036C>T, p.Ala1012= (NM_001354897.2); c.2931C>T, p.Ala977= (NM_001354898.2); c.2922C>T, p.Ala974= (NM_001354899.2); c.2883C>T, p.Ala961= (NM_001354900.2); and 6 more.
Identifiers: ClinVar variation 181778 (VCV000181778.82), dbSNP rs72541810, ClinGen allele CA007984.

ClinVar aggregate classification (germline): Benign/Likely benign. Review status: criteria provided, multiple submitters, no conflicts (2 of 4 stars). 17 submissions from 17 submitters: Benign (4); Likely benign (10). 3 of the submissions do not count toward it. Last evaluated 2026-09-01.

Conditions:
Classic or attenuated familial adenomatous polyposis. Identifiers: MedGen CN372698, MONDO:0021057.
APC-Associated Polyposis Disorders.
Hereditary cancer-predisposing syndrome. Also called: Hereditary neoplastic syndrome; Tumor predisposition; Neoplastic Syndromes, Hereditary; Hereditary Cancer Syndrome. Identifiers: Orphanet 140162, MedGen C0027672, MeSH D009386, MONDO:0015356.
Familial adenomatous polyposis 1 (FAP1). Also called: FAMILIAL ADENOMATOUS POLYPOSIS 1, ATTENUATED; POLYPOSIS, ADENOMATOUS INTESTINAL. Identifiers: MedGen C2713442, MONDO:0021056, OMIM 175100. Disease mechanism: loss of function.
Carcinoma of colon (CRC). Also called: Colon carcinoma; Colonic carcinoma. Identifiers: MedGen C0699790, MONDO:0002032.

Allele frequency attached by ClinVar (database versions not stated): ExAC 0.00017; gnomAD exomes 0.00018 and 0.00029; TOPMed 0.00019; gnomAD 0.00020 and 0.00021; ESP Exome Variant Server 0.00023.
gnomAD v4.1: 443 of 1,613,912 alleles (0.027%); highest among the groups gnomAD compares: Non-Finnish European, 0.036%; 1 homozygote.

Submissions (17):

CeGaT Center for Human Genetics Tuebingen
Classification: Likely benign. Last evaluated: 2026-09-01. Review status: criteria provided, single submitter. Criteria: CeGaT Center For Human Genetics Tuebingen Variant Classification Criteria Version 2. Collection method: clinical testing. Allele origin: germline. Affected: yes. Observed: 13 variant alleles.
Comment: APC: BP4, BP7

Labcorp Genetics (formerly Invitae), Labcorp
Classification: Likely benign for Familial adenomatous polyposis 1. Last evaluated: 2026-02-03. Review status: criteria provided, single submitter. Criteria: Invitae Variant Classification Sherloc (09022015). Collection method: clinical testing. Allele origin: germline.

ARUP Laboratories, Molecular Genetics and Genomics, ARUP Laboratories
Classification: Likely benign. Last evaluated: 2025-04-14. Review status: criteria provided, single submitter. Criteria: ARUP Molecular Germline Variant Investigation Process 2024. Collection method: clinical testing. Allele origin: germline.

Center for Genomic Medicine, Rigshospitalet, Copenhagen University Hospital
Classification: Likely benign. Last evaluated: 2025-03-04. Review status: criteria provided, single submitter. Criteria: ACMG Guidelines, 2015. Collection method: clinical testing. Allele origin: germline.

Blueprint Genetics
Classification: Likely benign. Last evaluated: 2024-08-01. Review status: criteria provided, single submitter. Criteria: ACMG Guidelines, 2015. Collection method: clinical testing. Allele origin: germline.

All of Us Research Program, National Institutes of Health
Classification: Likely benign for Classic or attenuated familial adenomatous polyposis. Last evaluated: 2024-02-05. Review status: criteria provided, single submitter. Criteria: ACMG Guidelines, 2015. Collection method: clinical testing. Allele origin: germline. Inheritance: Autosomal dominant inheritance. Observed: 75 variant alleles, 75 heterozygotes.
Comment: This study involves interpretation of variants in research participants for the purpose of population health screening. Participant phenotype was not available at the time of variant classification. Additional details can be found in publication PMID: 35346344, PMCID: PMC8962531

Quest Diagnostics Nichols Institute San Juan Capistrano
Classification: Benign. Last evaluated: 2023-09-01. Review status: criteria provided, single submitter. Criteria: Quest Diagnostics criteria. Collection method: clinical testing. Allele origin: unknown.

Myriad Genetics, Inc.
Classification: Benign for Familial adenomatous polyposis 1. Last evaluated: 2023-02-17. Review status: criteria provided, single submitter. Criteria: Myriad Autosomal Dominant, Autosomal Recessive and X-Linked Classification Criteria (2023). Collection method: clinical testing. Allele origin: unknown.
Comment: This variant is considered benign. This variant is a silent/synonymous amino acid change and it is not expected to impact splicing.

Institute for Clinical Genetics, University Hospital TU Dresden, University Hospital TU Dresden
Classification: Benign. Last evaluated: 2021-11-03. Review status: criteria provided, single submitter. Criteria: ACMG Guidelines, 2015. Collection method: clinical testing. Allele origin: germline.

Sema4
Classification: Likely benign for Hereditary cancer-predisposing syndrome. Last evaluated: 2021-02-25. Review status: criteria provided, single submitter. Criteria: Sema4 Curation Guidelines. Collection method: curation. Allele origin: germline.

Illumina Laboratory Services, Illumina
Classification: Likely benign for APC-Associated Polyposis Disorders. Last evaluated: 2019-02-13. Review status: criteria provided, single submitter. Criteria: ICSL Variant Classification Criteria 13 December 2019. Collection method: clinical testing. Allele origin: germline.
Comment: This variant was observed as part of a predisposition screen in an ostensibly healthy population. A literature search was performed for the gene, cDNA change, and amino acid change (where applicable). No publications were found based on this search. Allele frequency data from public databases allowed determination this variant is unlikely to cause disease. Therefore, this variant is classified as likely benign.

Color Diagnostics, LLC DBA Color Health
Classification: Likely benign for Hereditary cancer-predisposing syndrome. Last evaluated: 2016-05-03. Review status: criteria provided, single submitter. Criteria: ACMG Guidelines, 2015. Collection method: clinical testing. Allele origin: germline.

GeneDx
Classification: Benign. Last evaluated: 2014-08-26. Review status: criteria provided, single submitter. Criteria: GeneDx Variant Classification (06012015). Collection method: clinical testing. Allele origin: germline. Affected: yes.
Comment: This variant is considered likely benign or benign based on one or more of the following criteria: it is a conservative change, it occurs at a poorly conserved position in the protein, it is predicted to be benign by multiple in silico algorithms, and/or has population frequency not consistent with disease.

Ambry Genetics
Classification: Likely benign for Hereditary cancer-predisposing syndrome. Last evaluated: 2014-08-15. Review status: criteria provided, single submitter. Criteria: Ambry Variant Classification Scheme 2023. Collection method: clinical testing. Allele origin: germline.

Counsyl
Classification: Likely benign for Familial adenomatous polyposis 1. Last evaluated: 2018-01-26. Review status: no assertion criteria provided. Collection method: clinical testing. Allele origin: unknown. Not counted in ClinVar's aggregate classification.

True Health Diagnostics
Classification: Likely benign for Hereditary cancer-predisposing syndrome. Last evaluated: 2017-12-01. Review status: no assertion criteria provided. Collection method: clinical testing. Allele origin: germline. Not counted in ClinVar's aggregate classification.

Department of Pathology and Laboratory Medicine, Sinai Health System
Classification: Likely benign for Carcinoma of colon. Review status: no assertion criteria provided. Collection method: clinical testing. Allele origin: unknown. Affected: yes. Observed: 2 variant alleles. Study: The Canadian Open Genetics Repository (COGR). Not counted in ClinVar's aggregate classification.
Comment: The APC p.Ala1002= variant was not identified in the literature, but was identified in dbSNP (ID: rs72541810) as â€šÃ„ÃºLikely Benignâ€šÃ„Ã¹, ClinVar database (3 submissions: 1x Benign by GeneDx, 2x Likely Benign by Ambry Genetics & Invitae), COSMIC (Adenocarcinoma of the large intestine), LOVD Zhejiang Colon Cancer Database (LOVD) (unknown), Clinvitae database (as 2x Likely Benign and 1x Benign). This variant was also identified in the NHLBI GO Exome Sequencing Project in 3 of 8600 European American alleles (Freq: 0.00034) and the Exome Aggregation Consortium database (August 8th 2016) in 21 of 121266 chromosomes (freq. 0.000217) in the following populations: European (Non-Finnish) in 20 of 66618 chromosomes (freq. 0.0003), Latino in 1 of 11574 chromosomes (freq. 8.4 x 10 -5), but was not seen in African, East Asian, Finnish, other and South Asian populations. This variant was not identified in the InSiGHT Colon Cancer Gene Variant Database (LOVD), GeneInsight - COGR, UMD and the 1000 Genome Project database. The p.Ala1002= variant is not expected to have clinical significance because it does not result in a change of amino acid and is not located in a known consensus splice site. In addition, in silico or computational prediction software programs (SpliceSiteFinder, MaxEntScan, NNSPLICE, GeneSplicer, HumanSpliceFinder) do not predict a difference in splicing. In summary, based on the above information, the clinical significance of this variant cannot be determined with certainty at this time although we would lean towards a more benign role for this variant. This variant is classified as likely benign.

Literature cited by the submitters: PubMed 21901162 (cited by Counsyl).